The following is an entry in ClinVar:

ClinVar aggregate classification (germline): Pathogenic (1 of 4 stars; one submission).

Submission:

Labcorp Genetics (formerly Invitae), Labcorp
Classification: Pathogenic. Last evaluated: 2025-08-03. Review status: criteria provided, single submitter. Criteria: Invitae Variant Classification Sherloc (09022015). Collection method: clinical testing. Allele origin: germline.
Comment: This sequence change creates a premature translational stop signal (p.Ser134*) in the PCARE gene. It is expected to result in an absent or disrupted protein product. Loss-of-function variants in PCARE are known to be pathogenic (PMID: 20398886, 24339724, 26496393). This variant is not present in population databases (gnomAD no frequency). This premature translational stop signal has been observed in individual(s) with retinal disease (PMID: 36460718). For these reasons, this variant has been classified as Pathogenic.

Literature cited by the submitters: PubMed 20398886; PubMed 24339724; PubMed 26496393; PubMed 36460718.

NM_001029883.3(PCARE):c.400_401del (p.Glu133_Ser134insTer)

Gene: PCARE (photoreceptor cilium actin regulator; minus strand). Cytogenetic location: 2p23.2.
Variant type: Microsatellite.
Coding change: c.400_401del on transcript NM_001029883.3 (MANE Select); coding-DNA positions 400 to 401, 2 bases deleted (AG; older notation c.400_401delAG).
Protein change: p.Glu133_Ser134insTer.
Molecular consequence: nonsense.
Genome position (GRCh38, 1-based): chr2:29,073,861-29,073,862, CT deleted on the plus strand (AG on the coding strand, the reverse complement: PCARE is on the minus strand); deleting any 2 consecutive bases within chr2:29,073,861-29,073,865 gives the same sequence; the c. name uses the placement nearest the transcript's 3' end. VCF-style (leftmost placement, unchanged base first): chr2-29073860-ACT-A. GRCh37 (hg19) VCF-style: chr2-29296726-ACT-A.
Identifiers: ClinVar variation 4710694 (VCV004710694.1).